The following is an entry in ClinVar:

NM_001458.5(FLNC):c.4621A>T (p.Lys1541Ter)

Gene: FLNC (filamin C; plus strand). Cytogenetic location: 7q32.1.
Variant type: single nucleotide variant.
Coding change: c.4621A>T on transcript NM_001458.5 (MANE Select); coding-DNA position 4621, A replaced by T.
Protein change: p.Lys1541Ter; replaces lysine 1541 with a stop codon.
Molecular consequence: nonsense.
Genome position (GRCh38, 1-based): chr7:128,848,601, A>T. VCF-style: chr7-128848601-A-T. GRCh37 (hg19) VCF-style: chr7-128488655-A-T.
Other names: c.4621A>T, p.Lys1541Ter (NM_001127487.2); short protein forms K1541*.
Identifiers: ClinVar variation 577928 (VCV000577928.13), dbSNP rs1562999451, ClinGen allele CA369202158.

ClinVar aggregate classification (germline): Pathogenic/Likely pathogenic. Review status: criteria provided, multiple submitters, no conflicts (2 of 4 stars). 3 submissions from 3 submitters: Pathogenic (2); Likely pathogenic (1). Last evaluated 2025-12-22.

Conditions:
Hypertrophic cardiomyopathy 26. Also called: Cardiomyopathy, familial hypertrophic, 26. Identifiers: Orphanet 75249, MedGen C4310749, MONDO:0014883, OMIM 617047.
Distal myopathy with posterior leg and anterior hand involvement. Also called: WILLIAMS DISTAL MYOPATHY. Identifiers: Orphanet 63273, MedGen C3279722, MONDO:0013550, OMIM 614065.
Myofibrillar myopathy 5. Also called: FILAMINOPATHY, AUTOSOMAL DOMINANT; Filaminopathy (type). Identifiers: Orphanet 171445, MedGen C1836050, MONDO:0012289, OMIM 609524.
Cardiovascular phenotype. Identifiers: MedGen CN230736.

Submissions (3):

Ambry Genetics
Classification: Pathogenic for Cardiovascular phenotype. Last evaluated: 2025-12-22. Review status: criteria provided, single submitter. Criteria: Ambry Variant Classification Scheme 2023. Collection method: clinical testing. Allele origin: germline.
Comment: The p.K1541* pathogenic mutation (also known as c.4621A>T), located in coding exon 27 of the FLNC gene, results from an A to T substitution at nucleotide position 4621. This changes the amino acid from a lysine to a stop codon within coding exon 27. This variant was reported in individual(s) with features consistent with dilated cardiomyopathy (Ambry internal data). This variant is considered to be rare based on population cohorts in the Genome Aggregation Database (gnomAD). This alteration is expected to result in loss of function by premature protein truncation or nonsense-mediated mRNA decay. As such, this alteration is interpreted as a disease-causing mutation for FLNC-related dilated cardiomyopathy; however, its clinical significance for FLNC-related hypertrophic/restrictive cardiomyopathy and/or skeletal myopathy is uncertain.

Labcorp Genetics (formerly Invitae), Labcorp
Classification: Pathogenic for Distal myopathy with posterior leg and anterior hand involvement; Myofibrillar myopathy 5; Hypertrophic cardiomyopathy 26. Last evaluated: 2025-12-20. Review status: criteria provided, single submitter. Criteria: Invitae Variant Classification Sherloc (09022015). Collection method: clinical testing. Allele origin: germline.
Comment: This sequence change creates a premature translational stop signal (p.Lys1541*) in the FLNC gene. It is expected to result in an absent or disrupted protein product. Loss-of-function variants in FLNC are known to be pathogenic (PMID: 27908349). This variant is not present in population databases (gnomAD no frequency). This variant has not been reported in the literature in individuals affected with FLNC-related conditions. ClinVar contains an entry for this variant (Variation ID: 577928). Algorithms developed to predict the effect of sequence changes on RNA splicing suggest that this variant may disrupt the consensus splice site. For these reasons, this variant has been classified as Pathogenic.

GeneDx
Classification: Likely pathogenic. Last evaluated: 2025-05-11. Review status: criteria provided, single submitter. Criteria: GeneDx Variant Classification Process June 2021. Collection method: clinical testing. Allele origin: germline.
Comment: Nonsense variant predicted to result in protein truncation or nonsense mediated decay in a gene for which loss of function is a known mechanism of disease; Not observed at significant frequency in large population cohorts (gnomAD); Has not been previously published as pathogenic or benign to our knowledge

Literature cited by the submitters: PubMed 27908349 (cited by Labcorp Genetics (formerly Invitae), Labcorp).